The following is an entry in ClinVar:

NM_058179.4(PSAT1):c.452A>T (p.Tyr151Phe)

Gene: PSAT1 (phosphoserine aminotransferase 1; plus strand). Cytogenetic location: 9q21.2.
Variant type: single nucleotide variant.
Coding change: c.452A>T on transcript NM_058179.4 (MANE Select); coding-DNA position 452, A replaced by T.
Protein change: p.Tyr151Phe; replaces tyrosine 151 with phenylalanine.
Molecular consequence: missense variant.
Genome position (GRCh38, 1-based): chr9:78,306,368, A>T. VCF-style: chr9-78306368-A-T. GRCh37 (hg19) VCF-style: chr9-80921284-A-T.
Other names: c.452A>T, p.Tyr151Phe (NM_021154.5); short protein forms Y151F.
Identifiers: ClinVar variation 1495477 (VCV001495477.6), dbSNP rs1329274216, ClinGen allele CA373873085.

ClinVar aggregate classification (germline): Uncertain significance (1 of 4 stars; one submission).

Conditions:
Neu-Laxova syndrome 2. Identifiers: Orphanet 2671, Orphanet 583602, MedGen C4015019, MONDO:0014466, OMIM 616038.

Submission:

Labcorp Genetics (formerly Invitae), Labcorp
Classification: Uncertain significance for Neu-Laxova syndrome 2. Last evaluated: 2021-08-03. Review status: criteria provided, single submitter. Criteria: Invitae Variant Classification Sherloc (09022015). Collection method: clinical testing. Allele origin: germline.
Comment: In summary, the available evidence is currently insufficient to determine the role of this variant in disease. Therefore, it has been classified as a Variant of Uncertain Significance. Algorithms developed to predict the effect of missense changes on protein structure and function output the following: SIFT: "Tolerated"; PolyPhen-2: "Benign"; Align-GVGD: "Class C0". The phenylalanine amino acid residue is found in multiple mammalian species, which suggests that this missense change does not adversely affect protein function. This variant has not been reported in the literature in individuals affected with PSAT1-related conditions. This variant is not present in population databases (ExAC no frequency). This sequence change replaces tyrosine with phenylalanine at codon 151 of the PSAT1 protein (p.Tyr151Phe). The tyrosine residue is moderately conserved and there is a small physicochemical difference between tyrosine and phenylalanine.